The following is an entry in ClinVar:

ClinVar aggregate classification (germline): Pathogenic (1 of 4 stars; one submission).

Submission:

ARUP Laboratories, Molecular Genetics and Genomics, ARUP Laboratories
Classification: Pathogenic. Last evaluated: 2025-07-18. Review status: criteria provided, single submitter. Criteria: ARUP Molecular Germline Variant Investigation Process 2024. Collection method: clinical testing. Allele origin: germline.
Comment: The HBA1 c.247_254delinsTGCA; p.Ala83CysfsTer19 variant (also known as Ala82fs when numbered from the mature protein, HbVar ID: 2504) is reported in the literature in a mother and her two sons with microcytic hypochromic anemia (HbVar and references therein). This variant is absent from the Genome Aggregation Database (v2.1.1), indicating it is not a common polymorphism. This variant causes a frameshift by deleting eight nucleotides and inserting four nucleotides, so it is predicted to result in a truncated protein or mRNA subject to nonsense-mediated decay. Based on available information, this variant is considered to be pathogenic. References: Link to HbVar database

NM_000558.5(HBA1):c.247_254delinsTGCA (p.Ala83fs)

Genes: HBA1 (hemoglobin subunit alpha 1; plus strand), LOC106804613 (hemoglobin subunit alpha 1 recombination region; plus strand). Cytogenetic location: 16p13.3.
Variant type: Indel.
Coding change: c.247_254delinsTGCA on transcript NM_000558.5 (MANE Select); coding-DNA positions 247 to 254, GCCCTGAG replaced by TGCA.
Protein change: p.Ala83fs; shifts the reading frame from alanine 83.
Molecular consequence: frameshift variant.
Genome position (GRCh38, 1-based): chr16:177,080-177,087, GCCCTGAG replaced by TGCA. VCF-style: chr16-177080-GCCCTGAG-TGCA. GRCh37 (hg19) VCF-style: chr16-227079-GCCCTGAG-TGCA.
Other names: short protein forms A83fs.
Identifiers: ClinVar variation 4685967 (VCV004685967.1).
Genomic context (GRCh38, chr16:177,080, plus strand): 5'-GTGGCCGACGCGCTGACCAACGCCGTGGCGCACGTGGACGACATGCCCAACGCGCTGTCC[GCCCTGAG>TGCA]CGACCTGCACGCGCACAAGCTTCGGGTGGACCCGGTCAACTTCAAGGTGAGCGGCGGGCC-3'